The following is an entry in ClinVar:

NM_001170629.2(CHD8):c.2143-9C>G

Gene: CHD8 (chromodomain helicase DNA binding protein 8; minus strand). Cytogenetic location: 14q11.2.
Variant type: single nucleotide variant.
Coding change: c.2143-9C>G on transcript NM_001170629.2 (MANE Select); 9 bases into the intron before coding-DNA position 2143, C replaced by G.
Molecular consequence: intron variant.
Genome position (GRCh38, 1-based): chr14:21,413,005, G>C on the plus strand (C>G on the coding strand, the complement: CHD8 is on the minus strand). VCF-style: chr14-21413005-G-C. GRCh37 (hg19) VCF-style: chr14-21881164-G-C.
Other names: c.1306-9C>G (NM_020920.4).
Identifiers: ClinVar variation 4813261 (VCV004813261.1).
Genomic context (GRCh38, chr14:21,413,005, plus strand): 5'-CATCCAATATCCTATCCACCTCTACGTAGTCTGGATTAAAGGGCTCTTCATCCTAGATGA[G>C]TTAGGAAACCAAACAATAAGACCAAAAGATCACTGTCCAGTAAACCCACTCCTCTACCTC-3'

ClinVar aggregate classification (germline): Uncertain significance (1 of 4 stars; one submission).

Submission:

GeneDx
Classification: Uncertain significance. Last evaluated: 2025-09-09. Review status: criteria provided, single submitter. Criteria: GeneDx Variant Classification Process June 2021. Collection method: clinical testing. Allele origin: germline. Affected: yes.
Comment: Not observed at significant frequency in large population cohorts (gnomAD); In silico analysis supports a deleterious effect on splicing; Has not been previously published as pathogenic or benign to our knowledge